The following is an entry in ClinVar:

NM_138694.4(PKHD1):c.6623T>G (p.Val2208Gly)

Gene: PKHD1 (PKHD1 ciliary IPT domain containing fibrocystin/polyductin; minus strand). Cytogenetic location: 6p12.2.
Variant type: single nucleotide variant.
Coding change: c.6623T>G on transcript NM_138694.4 (MANE Select); coding-DNA position 6623, T replaced by G.
Protein change: p.Val2208Gly; replaces valine 2208 with glycine.
Molecular consequence: missense variant.
Genome position (GRCh38, 1-based): chr6:51,909,342, A>C on the plus strand (T>G on the coding strand, the complement: PKHD1 is on the minus strand). VCF-style: chr6-51909342-A-C. GRCh37 (hg19) VCF-style: chr6-51774140-A-C.
Other names: c.6623T>G, p.Val2208Gly (NM_170724.3); short protein forms V2208G.
Identifiers: ClinVar variation 2809577 (VCV002809577.3), dbSNP rs746310708, ClinGen allele CA364434453.

ClinVar aggregate classification (germline): Uncertain significance (1 of 4 stars; one submission).

Conditions:
Autosomal recessive polycystic kidney disease (ARPKD). Also called: AR polycystic kidney disease. Identifiers: Orphanet 731, Orphanet 8378, MedGen C0085548, MeSH D017044, MONDO:0009889.

Submission:

Labcorp Genetics (formerly Invitae), Labcorp
Classification: Uncertain significance for Autosomal recessive polycystic kidney disease. Last evaluated: 2023-08-22. Review status: criteria provided, single submitter. Criteria: Invitae Variant Classification Sherloc (09022015). Collection method: clinical testing. Allele origin: germline.
Comment: This sequence change replaces valine, which is neutral and non-polar, with glycine, which is neutral and non-polar, at codon 2208 of the PKHD1 protein (p.Val2208Gly). This variant is not present in population databases (gnomAD no frequency). This variant has not been reported in the literature in individuals affected with PKHD1-related conditions. Advanced modeling of protein sequence and biophysical properties (such as structural, functional, and spatial information, amino acid conservation, physicochemical variation, residue mobility, and thermodynamic stability) performed at Invitae indicates that this missense variant is not expected to disrupt PKHD1 protein function. In summary, the available evidence is currently insufficient to determine the role of this variant in disease. Therefore, it has been classified as a Variant of Uncertain Significance.